The following is an entry in ClinVar:

ClinVar aggregate classification (germline): Benign/Likely benign. Review status: criteria provided, multiple submitters, no conflicts (2 of 4 stars). 3 submissions from 3 submitters: Benign (1); Likely benign (2). Last evaluated 2026-04-20.

Conditions:
DICER1-related tumor predisposition. Also called: DICER1-related pleuropulmonary blastoma cancer predisposition syndrome; DICER1 syndrome. Identifiers: Orphanet 284343, MedGen C3839822, MONDO:0100216.
Hereditary cancer-predisposing syndrome. Also called: Neoplastic Syndromes, Hereditary; Hereditary Cancer Syndrome; Hereditary neoplastic syndrome; Tumor predisposition. Identifiers: Orphanet 140162, MedGen C0027672, MeSH D009386, MONDO:0015356.

Allele frequency attached by ClinVar (database versions not stated): gnomAD exomes 0.00001 and below 0.00001; gnomAD 0.00004; ExAC 0.00002; TOPMed 0.00004; ESP Exome Variant Server 0.00008.
gnomAD v4.1: 9 of 1,614,004 alleles (0.00056%); highest among the groups gnomAD compares: African/African-American, 0.0067%; no homozygotes.

Submissions (3):

Myriad Genetics, Inc.
Classification: Benign for DICER1-related tumor predisposition. Last evaluated: 2026-04-20. Review status: criteria provided, single submitter. Criteria: Myriad Autosomal Dominant, Autosomal Recessive and X-Linked Classification Criteria (2023). Collection method: clinical testing. Allele origin: unknown.
Comment: This variant is considered benign. This variant is a silent/synonymous amino acid change and it is not expected to impact splicing.

Labcorp Genetics (formerly Invitae), Labcorp
Classification: Likely benign for DICER1-related tumor predisposition. Last evaluated: 2026-01-30. Review status: criteria provided, single submitter. Criteria: Invitae Variant Classification Sherloc (09022015). Collection method: clinical testing. Allele origin: germline.

Ambry Genetics
Classification: Likely benign for Hereditary cancer-predisposing syndrome. Last evaluated: 2020-01-20. Review status: criteria provided, single submitter. Criteria: Ambry Variant Classification Scheme 2023. Collection method: clinical testing. Allele origin: germline.

NM_177438.3(DICER1):c.5256C>T (p.Tyr1752=)

Gene: DICER1 (dicer 1, ribonuclease III; minus strand). Cytogenetic location: 14q32.13.
Variant type: single nucleotide variant.
Coding change: c.5256C>T on transcript NM_177438.3 (MANE Select); coding-DNA position 5256, C replaced by T.
Protein change: p.Tyr1752=; no amino-acid change (tyrosine 1752 retained).
Molecular consequence: synonymous variant.
Genome position (GRCh38, 1-based): chr14:95,093,996, G>A on the plus strand (C>T on the coding strand, the complement: DICER1 is on the minus strand). VCF-style: chr14-95093996-G-A. GRCh37 (hg19) VCF-style: chr14-95560333-G-A.
Other names: c.5256C>T, p.Tyr1752= (NM_001195573.1, NM_001271282.3, NM_001291628.2 and 1 more transcripts).
Identifiers: ClinVar variation 543668 (VCV000543668.17), dbSNP rs373750374, ClinGen allele CA7330699.